The following is an entry in ClinVar:

ClinVar aggregate classification (germline): Uncertain significance (1 of 4 stars; one submission).

Conditions:
Retinitis pigmentosa 71 (RP71). Identifiers: Orphanet 791, MedGen C4225342, MONDO:0014618, OMIM 616394.
Short-rib thoracic dysplasia 10 with or without polydactyly (SRTD10). Identifiers: Orphanet 474, MedGen C3810175, MONDO:0014284, OMIM 615630.

Submission:

Labcorp Genetics (formerly Invitae), Labcorp
Classification: Uncertain significance for Retinitis pigmentosa 71; Short-rib thoracic dysplasia 10 with or without polydactyly. Last evaluated: 2022-09-01. Review status: criteria provided, single submitter. Criteria: Invitae Variant Classification Sherloc (09022015). Collection method: clinical testing. Allele origin: germline.
Comment: In summary, the available evidence is currently insufficient to determine the role of this variant in disease. Therefore, it has been classified as a Variant of Uncertain Significance. Algorithms developed to predict the effect of missense changes on protein structure and function output the following: SIFT: "Tolerated"; PolyPhen-2: "Benign"; Align-GVGD: "Class C0". The leucine amino acid residue is found in multiple mammalian species, which suggests that this missense change does not adversely affect protein function. This variant has not been reported in the literature in individuals affected with IFT172-related conditions. This variant is not present in population databases (gnomAD no frequency). This sequence change replaces proline, which is neutral and non-polar, with leucine, which is neutral and non-polar, at codon 1526 of the IFT172 protein (p.Pro1526Leu).

NM_015662.3(IFT172):c.4577C>T (p.Pro1526Leu)

Gene: IFT172 (intraflagellar transport 172; minus strand). Cytogenetic location: 2p23.3.
Variant type: single nucleotide variant.
Coding change: c.4577C>T on transcript NM_015662.3 (MANE Select); coding-DNA position 4577, C replaced by T.
Protein change: p.Pro1526Leu; replaces proline 1526 with leucine.
Molecular consequence: missense variant.
Genome position (GRCh38, 1-based): chr2:27,447,597, G>A on the plus strand (C>T on the coding strand, the complement: IFT172 is on the minus strand). VCF-style: chr2-27447597-G-A. GRCh37 (hg19) VCF-style: chr2-27670464-G-A.
Other names: c.4511C>T, p.Pro1504Leu (NM_001410739.1); short protein forms P1504L, P1526L.
Identifiers: ClinVar variation 2003954 (VCV002003954.4), dbSNP rs2465803417, ClinGen allele CA346416726.